The following is an entry in ClinVar:

ClinVar aggregate classification (germline): Benign (1 of 4 stars; one submission).

Conditions:
Familial X-linked hypophosphatemic vitamin D refractory rickets (XLHRD). Also called: HYPOPHOSPHATEMIC VITAMIN D-RESISTANT RICKETS; X-Linked Hypophosphatemia; Hypophosphatemia, vitamin D-resistant rickets; Vitamin D-resistant rickets, X-linked; Hypophosphatemic Rickets, X-Linked Dominant. Identifiers: Orphanet 89936, MedGen C0733682, MONDO:0010619, OMIM 307800.

Allele frequency attached by ClinVar (database versions not stated): TOPMed 0.00069; gnomAD 0.00077 and 0.00078; gnomAD exomes 0.00008; 1000 Genomes Project 0.00053; 1000 Genomes Project 30x 0.00062.
gnomAD v4.1: 120 of 552,502 alleles (0.022%); highest among the groups gnomAD compares: African/African-American, 0.26%; no homozygotes.

Submission:

Illumina Laboratory Services, Illumina
Classification: Benign for Familial X-linked hypophosphatemic vitamin D refractory rickets. Last evaluated: 2018-01-13. Review status: criteria provided, single submitter. Criteria: ICSL Variant Classification Criteria 13 December 2019. Collection method: clinical testing. Allele origin: germline.
Comment: This variant was observed in the ICSL laboratory as part of a predisposition screen in an ostensibly healthy population. It had not been previously curated by ICSL or reported in the Human Gene Mutation Database (HGMD: prior to June 1st, 2018), and was therefore a candidate for classification through an automated scoring system. Utilizing variant allele frequency, disease prevalence and penetrance estimates, and inheritance mode, an automated score was calculated to assess if this variant is too frequent to cause the disease. Based on the score and internal cut-off values, a variant classified as benign is not then subjected to further curation. The score for this variant resulted in a classification of benign for this disease.

NM_000444.6(PHEX):c.-126C>G

Gene: PHEX (phosphate regulating endopeptidase X-linked; plus strand). Cytogenetic location: Xp22.11.
Variant type: single nucleotide variant.
Coding change: c.-126C>G on transcript NM_000444.6 (MANE Select); 126 bases upstream of the start codon, C replaced by G.
Molecular consequence: 5 prime UTR variant.
Genome position (GRCh38, 1-based): chrX:22,032,880, C>G. VCF-style: chrX-22032880-C-G. GRCh37 (hg19) VCF-style: chrX-22050998-C-G.
Other names: c.-126C>G (NM_001282754.2).
Identifiers: ClinVar variation 914503 (VCV000914503.4), dbSNP rs185830047, ClinGen allele CA327517326.
Genomic context (GRCh38, chrX:22,032,880, plus strand): 5'-ATAATTTTCATTTGTGAAGAATTATTTGAGAAAGGGTGGCGAGGGGAGATTTCCTGACGG[C>G]AGTTTCTTAAGCTGTCCATTAGTAGAAGAGCAAGAAAGCCTTGGATGTCAACGCCTCGCT-3'